The following is an entry in ClinVar:

ClinVar aggregate classification (germline): Benign. Review status: criteria provided, multiple submitters, no conflicts (2 of 4 stars). 3 submissions from 3 submitters: Benign (3). Last evaluated 2019-10-16.

Allele frequency attached by ClinVar (database versions not stated): ESP Exome Variant Server 0.00031; gnomAD 0.00278; gnomAD exomes 0.00300 and 0.01272; ExAC 0.00936; TOPMed 0.01076; 1000 Genomes Project 0.01198; 1000 Genomes Project 30x 0.01374.
gnomAD v4.1: 5,246 of 1,613,198 alleles (0.33%); highest among the groups gnomAD compares: Admixed American, 7.6%; 227 homozygotes.

Submissions (3):

GeneDx
Classification: Benign. Last evaluated: 2019-10-16. Review status: criteria provided, single submitter. Criteria: GeneDx Variant Classification Process June 2021. Collection method: clinical testing. Allele origin: germline. Affected: yes.
Comment: This variant is associated with the following publications: (PMID: 31182772)

Labcorp Genetics (formerly Invitae), Labcorp
Classification: Benign. Last evaluated: 2018-07-30. Review status: criteria provided, single submitter. Criteria: Invitae Variant Classification Sherloc (09022015). Collection method: clinical testing. Allele origin: germline.

Breakthrough Genomics
Classification: Benign. Review status: criteria provided, single submitter. Criteria: ACMG Guidelines, 2015. Collection method: not provided. Allele origin: germline. Inheritance: Unknown mechanism. Affected: yes.

NM_080491.3(GAB2):c.404G>T (p.Gly135Val)

Gene: GAB2 (GRB2 associated binding protein 2; minus strand). Cytogenetic location: 11q14.1.
Variant type: single nucleotide variant.
Coding change: c.404G>T on transcript NM_080491.3 (MANE Select); coding-DNA position 404, G replaced by T.
Protein change: p.Gly135Val; replaces glycine 135 with valine.
Molecular consequence: missense variant.
Genome position (GRCh38, 1-based): chr11:78,250,373, C>A on the plus strand (G>T on the coding strand, the complement: GAB2 is on the minus strand). VCF-style: chr11-78250373-C-A. GRCh37 (hg19) VCF-style: chr11-77961419-C-A.
Other names: c.290G>T, p.Gly97Val (NM_012296.4); short protein forms G135V, G97V.
Identifiers: ClinVar variation 776895 (VCV000776895.5), dbSNP rs76853537, ClinGen allele CA6205319.
Genomic context (GRCh38, chr11:78,250,373, plus strand): 5'-TCTCGGAGAAGGTGCTGGCTAGAGCTGCTGAGCTCAGCTGGAGAAGAGCGGGGGCCATGA[C>A]CGGCTGAGGAAACATTTCTCAGGGAGTCTGAAAAGGAGAAATAGCTCTGTGAATGAAAAA-3'
Protein context (NP_536739.1, residues 125-145): TDSLRNVSSA[Gly135Val]HGPRSSPAEL